The following is an entry in ClinVar:

ClinVar aggregate classification (germline): Uncertain significance (1 of 4 stars; one submission).

Allele frequency attached by ClinVar (database versions not stated): gnomAD exomes below 0.00001 and 0.00001; TOPMed below 0.00001; gnomAD 0.00001.
gnomAD v4.1: 4 of 1,614,022 alleles (0.00025%); highest among the groups gnomAD compares: African/African-American, 0.0013%; no homozygotes.

Submission:

Labcorp Genetics (formerly Invitae), Labcorp
Classification: Uncertain significance. Last evaluated: 2024-05-13. Review status: criteria provided, single submitter. Criteria: Invitae Variant Classification Sherloc (09022015). Collection method: clinical testing. Allele origin: germline.
Comment: This sequence change replaces leucine, which is neutral and non-polar, with proline, which is neutral and non-polar, at codon 21 of the HSD17B3 protein (p.Leu21Pro). This variant is present in population databases (no rsID available, gnomAD 0.007%). This missense change has been observed in individual(s) with ambiguous genitalia (Invitae). In at least one individual the data is consistent with being in trans (on the opposite chromosome) from a pathogenic variant. ClinVar contains an entry for this variant (Variation ID: 1488133). Advanced modeling of protein sequence and biophysical properties (such as structural, functional, and spatial information, amino acid conservation, physicochemical variation, residue mobility, and thermodynamic stability) performed at Invitae indicates that this missense variant is expected to disrupt HSD17B3 protein function with a positive predictive value of 80%. In summary, the available evidence is currently insufficient to determine the role of this variant in disease. Therefore, it has been classified as a Variant of Uncertain Significance.

NM_000197.2(HSD17B3):c.62T>C (p.Leu21Pro)

Genes: HSD17B3 (hydroxysteroid 17-beta dehydrogenase 3; minus strand), SLC35D2-HSD17B3 (SLC35D2-HSD17B3 readthrough; minus strand). Cytogenetic location: 9q22.32.
Variant type: single nucleotide variant.
Coding change: c.62T>C on transcript NM_000197.2 (MANE Select); coding-DNA position 62, T replaced by C.
Protein change: p.Leu21Pro; replaces leucine 21 with proline.
Molecular consequence: missense variant.
Genome position (GRCh38, 1-based): chr9:96,302,043, A>G on the plus strand (T>C on the coding strand, the complement: HSD17B3 is on the minus strand). VCF-style: chr9-96302043-A-G. GRCh37 (hg19) VCF-style: chr9-99064325-A-G.
Other names: short protein forms L21P.
Identifiers: ClinVar variation 1488133 (VCV001488133.6), dbSNP rs1238780362, ClinGen allele CA374126653.